The following is an entry in ClinVar:

ClinVar aggregate classification (germline): Uncertain significance. Review status: criteria provided, multiple submitters, no conflicts (2 of 4 stars). 2 submissions from 2 submitters: Uncertain significance (2). Last evaluated 2019-12-13.

Conditions:
Duchenne muscular dystrophy (DMD). Also called: Duchenne Muscular Dystrophy (DMD); MUSCULAR DYSTROPHY, PSEUDOHYPERTROPHIC PROGRESSIVE, DUCHENNE TYPE. Identifiers: Orphanet 98896, MedGen C0013264, MONDO:0010679, OMIM 310200.

Allele frequency attached by ClinVar (database versions not stated): gnomAD exomes 0.00001 and below 0.00001; ExAC 0.00001.
gnomAD v4.1: 2 of 1,201,596 alleles (0.00017%); highest among the groups gnomAD compares: Non-Finnish European, 0.00023%; no homozygotes.

Submissions (2):

Labcorp Genetics (formerly Invitae), Labcorp
Classification: Uncertain significance for Duchenne muscular dystrophy. Last evaluated: 2019-12-13. Review status: criteria provided, single submitter. Criteria: Invitae Variant Classification Sherloc (09022015). Collection method: clinical testing. Allele origin: germline.
Comment: This sequence change replaces asparagine with aspartic acid at codon 93 of the DMD protein (p.Asn93Asp). The asparagine residue is highly conserved and there is a small physicochemical difference between asparagine and aspartic acid. This variant is present in population databases (rs398123907, ExAC 0.002%). This variant has not been reported in the literature in individuals with DMD-related conditions. ClinVar contains an entry for this variant (Variation ID: 94534). Algorithms developed to predict the effect of missense changes on protein structure and function are either unavailable or do not agree on the potential impact of this missense change (SIFT: "Deleterious"; PolyPhen-2: "Possibly Damaging"; Align-GVGD: "Class C15"). In summary, the available evidence is currently insufficient to determine the role of this variant in disease. Therefore, it has been classified as a Variant of Uncertain Significance.

Eurofins Ntd Llc (ga)
Classification: Uncertain significance. Last evaluated: 2013-11-26. Review status: criteria provided, single submitter. Criteria: EGL Classification Definitions 2015. Collection method: clinical testing. Allele origin: germline. Observed: 1 variant allele, 1 hemizygote.

NM_004006.3(DMD):c.277A>G (p.Asn93Asp)

Gene: DMD (dystrophin; minus strand). Cytogenetic location: Xp21.1.
Variant type: single nucleotide variant.
Coding change: c.277A>G on transcript NM_004006.3 (MANE Select); coding-DNA position 277, A replaced by G.
Protein change: p.Asn93Asp; replaces asparagine 93 with aspartic acid.
Molecular consequence: missense variant. On other transcripts: 5 prime UTR variant (1).
Genome position (GRCh38, 1-based): chrX:32,823,375, T>C on the plus strand (A>G on the coding strand, the complement: DMD is on the minus strand). VCF-style: chrX-32823375-T-C. GRCh37 (hg19) VCF-style: chrX-32841492-T-C.
Other names: c.253A>G, p.Asn85Asp (NM_000109.4); c.265A>G, p.Asn89Asp (NM_004009.3); c.-93A>G (NM_004010.3); short protein forms N89D, N85D.
Identifiers: ClinVar variation 94534 (VCV000094534.15), dbSNP rs398123907, ClinGen allele CA222345.
Genomic context (GRCh38, chrX:32,823,375, plus strand): 5'-TCCAAATCAAACCAAGAGTCAGTTTATGATTTCCATCTACGATGTCAGTACTTCCAATAT[T>C]CACTAAATCAACCTGTTAAAGAAAGGGGTAAAACATTTGAAGGTAAGAGACCAAATGCCT-3'
Protein context (NP_003997.2, residues 83-103): VLQNNNVDLV[Asn93Asp]IGSTDIVDGN